The following is an entry in ClinVar:

NM_022132.5(MCCC2):c.973del (p.Lys326fs)

Gene: MCCC2 (methylcrotonyl-CoA carboxylase subunit 2; plus strand). Cytogenetic location: 5q13.2.
Variant type: Deletion.
Coding change: c.973del on transcript NM_022132.5 (MANE Select); coding-DNA position 973, one base deleted (C; older notation c.973delC).
Protein change: p.Lys326fs; shifts the reading frame from lysine 326.
Molecular consequence: frameshift variant.
Genome position (GRCh38, 1-based): chr5:71,635,220, C deleted; the last of 2 consecutive C bases (chr5:71,635,219-71,635,220); deleting either gives the same sequence. VCF-style (leftmost placement, unchanged base first): chr5-71635218-AC-A. GRCh37 (hg19) VCF-style: chr5-70931045-AC-A.
Other names: c.859del, p.Lys288fs (NM_001363147.1); short protein forms K288fs, K326fs.
Identifiers: ClinVar variation 4816110 (VCV004816110.1).

ClinVar aggregate classification (germline): Likely pathogenic (1 of 4 stars; one submission).

Conditions:
3-methylcrotonyl-CoA carboxylase 2 deficiency. Also called: 3 alpha methylcrotonyl-CoA carboxylase 2 deficiency; 3 alpha methylcrotonylglycinuria 2; MCC 2 deficiency; Methylcrotonylglycinuria type 2; METHYLCROTONYLGLYCINURIA, TYPE II. Identifiers: Orphanet 6, MedGen C1859499, MONDO:0008862, OMIM 210210.

Submission:

Natera, Inc.
Classification: Likely pathogenic for 3-methylcrotonyl-CoA carboxylase 2 deficiency. Last evaluated: 2024-03-15. Review status: criteria provided, single submitter. Criteria: Natera Variant Classification Schema (03/2026). Collection method: clinical testing. Allele origin: germline.
Comment: The c.973delC variant in MCCC2 is a frameshift variant predicted to shift the reading frame beginning at codon 326 and leads to a stop codon 30 codons downstream. This variant is expected to result in nonsense mediated decay, truncation, or a dysfunctional protein product. This variant is rare in the general population with a frequency below the threshold expected for the associated phenotype(s). Given the available evidence, this variant is classified as Likely Pathogenic.